The following is an entry in ClinVar:

ClinVar aggregate classification (germline): Uncertain significance. Review status: criteria provided, multiple submitters, no conflicts (2 of 4 stars). 2 submissions from 2 submitters: Uncertain significance (2). Last evaluated 2022-03-14.

Conditions:
Alstrom syndrome (ALMS). Identifiers: Orphanet 64, MedGen C0268425, MONDO:0008763, OMIM 203800.

Allele frequency attached by ClinVar (database versions not stated): gnomAD 0.00001; TOPMed 0.00002.
gnomAD v4.1: 2 of 1,614,074 alleles (0.00012%); highest among the groups gnomAD compares: African/African-American, 0.0027%; no homozygotes.

Submissions (2):

Labcorp Genetics (formerly Invitae), Labcorp
Classification: Uncertain significance for Alstrom syndrome. Last evaluated: 2022-03-14. Review status: criteria provided, single submitter. Criteria: Invitae Variant Classification Sherloc (09022015). Collection method: clinical testing. Allele origin: germline.
Comment: In summary, the available evidence is currently insufficient to determine the role of this variant in disease. Therefore, it has been classified as a Variant of Uncertain Significance. Experimental studies and prediction algorithms are not available or were not evaluated, and the functional significance of this variant is currently unknown. This variant has not been reported in the literature in individuals affected with ALMS1-related conditions. This variant is not present in population databases (gnomAD no frequency). This sequence change replaces histidine, which is basic and polar, with proline, which is neutral and non-polar, at codon 3049 of the ALMS1 protein (p.His3049Pro).

Fulgent Genetics
Classification: Uncertain significance for Alstrom syndrome. Last evaluated: 2021-08-12. Review status: criteria provided, single submitter. Criteria: ACMG Guidelines, 2015. Collection method: clinical testing. Allele origin: unknown.

NM_001378454.1(ALMS1):c.9143A>C (p.His3048Pro)

Gene: ALMS1 (ALMS1 centrosome and basal body associated protein; plus strand). Cytogenetic location: 2p13.1.
Variant type: single nucleotide variant.
Coding change: c.9143A>C on transcript NM_001378454.1 (MANE Select); coding-DNA position 9143, A replaced by C.
Protein change: p.His3048Pro; replaces histidine 3048 with proline.
Molecular consequence: missense variant.
Genome position (GRCh38, 1-based): chr2:73,491,102, A>C. VCF-style: chr2-73491102-A-C. GRCh37 (hg19) VCF-style: chr2-73718229-A-C.
Other names: c.9146A>C, p.His3049Pro (NM_015120.4); short protein forms H3048P, H3049P.
Identifiers: ClinVar variation 1417454 (VCV001417454.5), dbSNP rs866416012, ClinGen allele CA347273247.